The following is an entry in ClinVar:

ClinVar aggregate classification (germline): Uncertain significance (1 of 4 stars; one submission).

Conditions:
Retinitis pigmentosa 59 (RP59). Identifiers: Orphanet 791, MedGen C3151227, MONDO:0013468, OMIM 613861.

Allele frequency attached by ClinVar (database versions not stated): gnomAD exomes below 0.00001; TOPMed below 0.00001; ExAC 0.00001.
gnomAD v4.1: 1 of 1,614,178 alleles (0.000062%); highest among the groups gnomAD compares: Admixed American, 0.0017%; no homozygotes.

Submission:

Labcorp Genetics (formerly Invitae), Labcorp
Classification: Uncertain significance for Retinitis pigmentosa 59. Last evaluated: 2022-09-27. Review status: criteria provided, single submitter. Criteria: Invitae Variant Classification Sherloc (09022015). Collection method: clinical testing. Allele origin: germline.
Comment: This sequence change replaces lysine, which is basic and polar, with glutamic acid, which is acidic and polar, at codon 87 of the DHDDS protein (p.Lys87Glu). This variant is present in population databases (rs760975808, gnomAD 0.003%). This variant has not been reported in the literature in individuals affected with DHDDS-related conditions. ClinVar contains an entry for this variant (Variation ID: 1493492). Advanced modeling of protein sequence and biophysical properties (such as structural, functional, and spatial information, amino acid conservation, physicochemical variation, residue mobility, and thermodynamic stability) performed at Invitae indicates that this missense variant is not expected to disrupt DHDDS protein function. In summary, the available evidence is currently insufficient to determine the role of this variant in disease. Therefore, it has been classified as a Variant of Uncertain Significance.

NM_205861.3(DHDDS):c.259A>G (p.Lys87Glu)

Gene: DHDDS (dehydrodolichyl diphosphate synthase subunit; plus strand). Cytogenetic location: 1p36.11.
Variant type: single nucleotide variant.
Coding change: c.259A>G on transcript NM_205861.3 (MANE Select); coding-DNA position 259, A replaced by G.
Protein change: p.Lys87Glu; replaces lysine 87 with glutamic acid.
Molecular consequence: missense variant. On other transcripts: 5 prime UTR variant (1).
Genome position (GRCh38, 1-based): chr1:26,442,809, A>G. VCF-style: chr1-26442809-A-G. GRCh37 (hg19) VCF-style: chr1-26769300-A-G.
Other names: c.259A>G, p.Lys87Glu (NM_001243564.2, NM_001243565.2, NM_024887.4); c.-21A>G (NM_001319959.2); short protein forms K87E.
Identifiers: ClinVar variation 1493492 (VCV001493492.3), dbSNP rs760975808, ClinGen allele CA705279.
Genomic context (GRCh38, chr1:26,442,809, plus strand): 5'-AACCTGGGCATCCTAGAGGTGACAGTCTACGCATTCAGCATTGAGAACTTCAAACGCTCC[A>G]AGAGTGAGGTAGACGGGCTTATGGATCTGGCCCGGCAGAAGTTCAGCCGCTTGATGGAAG-3'
Protein context (NP_995583.1, residues 77-97): AFSIENFKRS[Lys87Glu]SEVDGLMDLA